The following is an entry in ClinVar:

NM_002235.5(KCNA6):c.1420C>G (p.Gln474Glu)

Genes: KCNA6 (potassium voltage-gated channel subfamily A member 6; plus strand), KCNA6-AS1 (KCNA6 antisense RNA 1; minus strand). Cytogenetic location: 12p13.32.
Variant type: single nucleotide variant.
Coding change: c.1420C>G on transcript NM_002235.5 (MANE Select); coding-DNA position 1420, C replaced by G.
Protein change: p.Gln474Glu; replaces glutamine 474 with glutamic acid.
Molecular consequence: missense variant. On other transcripts: non-coding transcript variant (3).
Genome position (GRCh38, 1-based): chr12:4,811,461, C>G. VCF-style: chr12-4811461-C-G. GRCh37 (hg19) VCF-style: chr12-4920627-C-G.
Other names: short protein forms Q474E.
Identifiers: ClinVar variation 3252827 (VCV003252827.2), dbSNP rs2497227346.

ClinVar aggregate classification (germline): Uncertain significance (1 of 4 stars; one submission).

Submission:

GeneDx
Classification: Uncertain significance. Last evaluated: 2026-08-15. Review status: criteria provided, single submitter. Criteria: GeneDx Variant Classification Process June 2021. Collection method: clinical testing. Allele origin: germline.
Comment: Not observed at significant frequency in large population cohorts (gnomAD); In silico analysis suggests that this missense variant does not alter protein structure/function; Has not been previously published as pathogenic or benign to our knowledge